The following is an entry in ClinVar:

NM_017636.4(TRPM4):c.1050_1050+19del

Gene: TRPM4 (transient receptor potential cation channel subfamily M member 4; plus strand). Cytogenetic location: 19q13.33.
Variant type: Deletion.
Coding change: c.1050_1050+19del on transcript NM_017636.4 (MANE Select); coding-DNA position 1050 through 19 bases into the intron after coding-DNA position 1050, 20 bases deleted (GGTATGACACTGGGGGCCCA).
Molecular consequence: splice donor variant.
Genome position (GRCh38, 1-based): chr19:49,171,769-49,171,788, GGTATGACACTGGGGGCCCA deleted; deleting any 20 consecutive bases within chr19:49,171,763-49,171,788 gives the same sequence; the c. name uses the placement nearest the transcript's 3' end. VCF-style (leftmost placement, unchanged base first): chr19-49171762-AGGCCCAGGTATGACACTGGG-A. GRCh37 (hg19) VCF-style: chr19-49675019-AGGCCCAGGTATGACACTGGG-A.
Other names: c.1050_1050+19del (NM_001195227.2); c.-504_-504+19del (NM_001321282.2); c.705_705+19del (NM_001321281.2); c.528_528+19del (NM_001321283.2); c.201_201+19del (NM_001321285.2).
Identifiers: ClinVar variation 3711568 (VCV003711568.2).

ClinVar aggregate classification (germline): Uncertain significance (1 of 4 stars; one submission).

Conditions:
Progressive familial heart block type IB (PFHB1B). Identifiers: Orphanet 871, MedGen C1970298, MONDO:0011474, OMIM 604559.

Submission:

Labcorp Genetics (formerly Invitae), Labcorp
Classification: Uncertain significance for Progressive familial heart block type IB. Last evaluated: 2024-04-27. Review status: criteria provided, single submitter. Criteria: Invitae Variant Classification Sherloc (09022015). Collection method: clinical testing. Allele origin: germline.
Comment: This variant results in the deletion of part of exon 8 (c.1050_1050+19del) of the TRPM4 gene. It is expected to disrupt RNA splicing. Variants that disrupt the donor or acceptor splice site typically lead to a loss of protein function (PMID: 16199547), however the current clinical and genetic evidence is not sufficient to establish whether loss-of-function variants in TRPM4 cause disease. This variant is not present in population databases (gnomAD no frequency). This variant has not been reported in the literature in individuals affected with TRPM4-related conditions. Experimental studies and prediction algorithms are not available or were not evaluated, and the functional significance of this variant is currently unknown. In summary, the available evidence is currently insufficient to determine the role of this variant in disease. Therefore, it has been classified as a Variant of Uncertain Significance.

Literature cited by the submitters: PubMed 16199547.